The following is an entry in ClinVar:

ClinVar aggregate classification (germline): Uncertain significance (1 of 4 stars; one submission).

Conditions:
Inborn genetic diseases. Identifiers: MedGen C0950123, MeSH D030342.

Submission:

Ambry Genetics
Classification: Uncertain significance for Inborn genetic diseases. Last evaluated: 2026-06-06. Review status: criteria provided, single submitter. Criteria: Ambry Variant Classification Scheme 2023. Collection method: clinical testing. Allele origin: germline.
Comment: The p.T359I variant (also known as c.1076C>T), located in coding exon 8 of the BMPR2 gene, results from a C to T substitution at nucleotide position 1076. The threonine at codon 359 is replaced by isoleucine, an amino acid with similar properties. This amino acid position is conserved. In addition, this alteration is predicted to be deleterious by in silico analysis. Based on the available evidence, the clinical significance of this variant remains unclear.

NM_001204.7(BMPR2):c.1076C>T (p.Thr359Ile)

Gene: BMPR2 (bone morphogenetic protein receptor type 2; plus strand). Cytogenetic location: 2q33.2.
Variant type: single nucleotide variant.
Coding change: c.1076C>T on transcript NM_001204.7 (MANE Select); coding-DNA position 1076, C replaced by T.
Protein change: p.Thr359Ile; replaces threonine 359 with isoleucine.
Molecular consequence: missense variant.
Genome position (GRCh38, 1-based): chr2:202,530,902, C>T. VCF-style: chr2-202530902-C-T. GRCh37 (hg19) VCF-style: chr2-203395625-C-T.
Other names: short protein forms T359I.
Identifiers: ClinVar variation 4867657 (VCV004867657.1).